The following is an entry in ClinVar:

ClinVar aggregate classification (germline): Likely benign. Review status: criteria provided, single submitter (1 of 4 stars). 2 submissions from 2 submitters: Likely benign (1). 1 of the submissions does not count toward it. Last evaluated 2024-04-02.

Conditions:
PLXNA1-related disorder. Also called: PLXNA1-related condition.

Allele frequency attached by ClinVar (database versions not stated): gnomAD 0.00001; gnomAD exomes 0.00001; TOPMed 0.00001; ExAC 0.00003.
gnomAD v4.1: 19 of 1,613,046 alleles (0.0012%); highest among the groups gnomAD compares: Admixed American, 0.0067%; no homozygotes.

Submissions (2):

Labcorp Genetics (formerly Invitae), Labcorp
Classification: Likely benign. Last evaluated: 2024-04-02. Review status: criteria provided, single submitter. Criteria: Invitae Variant Classification Sherloc (09022015). Collection method: clinical testing. Allele origin: germline.

PreventionGenetics, part of Exact Sciences
Classification: Likely benign for PLXNA1-related condition. Last evaluated: 2022-08-24. Review status: no assertion criteria provided. Collection method: clinical testing. Allele origin: germline. Not counted in ClinVar's aggregate classification.
Comment: This variant is classified as likely benign based on ACMG/AMP sequence variant interpretation guidelines (Richards et al. 2015 PMID: 25741868, with internal and published modifications).

NM_032242.4(PLXNA1):c.396C>T (p.Ser132=)

Gene: PLXNA1 (plexin A1; plus strand). Cytogenetic location: 3q21.3.
Variant type: single nucleotide variant.
Coding change: c.396C>T on transcript NM_032242.4 (MANE Select); coding-DNA position 396, C replaced by T.
Protein change: p.Ser132=; no amino-acid change (serine 132 retained).
Molecular consequence: synonymous variant.
Genome position (GRCh38, 1-based): chr3:126,988,989, C>T. VCF-style: chr3-126988989-C-T. GRCh37 (hg19) VCF-style: chr3-126707832-C-T.
Identifiers: ClinVar variation 3032971 (VCV003032971.4), dbSNP rs755191074, ClinGen allele CA2592976.